The following is an entry in ClinVar:

NM_000275.3(OCA2):c.2306T>C (p.Met769Thr)

Gene: OCA2 (OCA2 melanosomal transmembrane protein; minus strand). Cytogenetic location: 15q13.1.
Variant type: single nucleotide variant.
Coding change: c.2306T>C on transcript NM_000275.3 (MANE Select); coding-DNA position 2306, T replaced by C.
Protein change: p.Met769Thr; replaces methionine 769 with threonine.
Molecular consequence: missense variant.
Genome position (GRCh38, 1-based): chr15:27,851,414, A>G on the plus strand (T>C on the coding strand, the complement: OCA2 is on the minus strand). VCF-style: chr15-27851414-A-G. GRCh37 (hg19) VCF-style: chr15-28096560-A-G.
Other names: c.2234T>C, p.Met745Thr (NM_001300984.2); short protein forms M745T, M769T.
Identifiers: ClinVar variation 4690430 (VCV004690430.1).
Genomic context (GRCh38, chr15:27,851,414, plus strand): 5'-CACCCCCATGCAGTCAGCAGCCCCTTACCTCCCAGGCAAGCACCGAAGGCCAGGGCATAC[A>G]TGAGCGGCGGTGCGGGCAGGCCAACCTCAGGGTCGTGGCTCAGGTTCAGGAGCACGGGAA-3'
Protein context (NP_000266.2, residues 759-779): PEVGLPAPPL[Met769Thr]YALAFGACLG

ClinVar aggregate classification (germline): Uncertain significance (1 of 4 stars; one submission).

gnomAD v4.1: 128 of 1,613,916 alleles (0.0079%); highest among the groups gnomAD compares: Non-Finnish European, 0.01%; no homozygotes.

Submission:

Labcorp Genetics (formerly Invitae), Labcorp
Classification: Uncertain significance. Last evaluated: 2025-03-25. Review status: criteria provided, single submitter. Criteria: Invitae Variant Classification Sherloc (09022015). Collection method: clinical testing. Allele origin: germline.
Comment: This sequence change replaces methionine, which is neutral and non-polar, with threonine, which is neutral and polar, at codon 769 of the OCA2 protein (p.Met769Thr). This variant is present in population databases (rs374578342, gnomAD 0.004%). This variant has not been reported in the literature in individuals affected with OCA2-related conditions. Invitae Evidence Modeling of protein sequence and biophysical properties (such as structural, functional, and spatial information, amino acid conservation, physicochemical variation, residue mobility, and thermodynamic stability) indicates that this missense variant is not expected to disrupt OCA2 protein function with a negative predictive value of 80%. In summary, the available evidence is currently insufficient to determine the role of this variant in disease. Therefore, it has been classified as a Variant of Uncertain Significance.